The following is an entry in ClinVar:

ClinVar aggregate classification (germline): Uncertain significance (1 of 4 stars; one submission).

Conditions:
Cardiovascular phenotype. Identifiers: MedGen CN230736.

Allele frequency attached by ClinVar (database versions not stated): gnomAD 0.00001; gnomAD exomes 0.00001.
gnomAD v4.1: 19 of 1,513,656 alleles (0.0013%); highest among the groups gnomAD compares: East Asian, 0.0025%; no homozygotes.

Submission:

Ambry Genetics
Classification: Uncertain significance for Cardiovascular phenotype. Last evaluated: 2024-07-04. Review status: criteria provided, single submitter. Criteria: Ambry Variant Classification Scheme 2023. Collection method: clinical testing. Allele origin: germline.
Comment: The p.G971S variant (also known as c.2911G>A), located in coding exon 1 of the ZNF469 gene, results from a G to A substitution at nucleotide position 2911. The glycine at codon 971 is replaced by serine, an amino acid with similar properties. This amino acid position is poorly conserved in available vertebrate species. In addition, this alteration is predicted to be tolerated by in silico analysis. Since supporting evidence is limited at this time, the clinical significance of this alteration remains unclear.

NM_001367624.2(ZNF469):c.2911G>A (p.Gly971Ser)

Gene: ZNF469 (zinc finger protein 469; plus strand). Cytogenetic location: 16q24.2.
Variant type: single nucleotide variant.
Coding change: c.2911G>A on transcript NM_001367624.2 (MANE Select); coding-DNA position 2911, G replaced by A.
Protein change: p.Gly971Ser; replaces glycine 971 with serine.
Molecular consequence: missense variant.
Genome position (GRCh38, 1-based): chr16:88,430,381, G>A. VCF-style: chr16-88430381-G-A. GRCh37 (hg19) VCF-style: chr16-88496789-G-A.
Other names: NM_001127464.1:c.2911G>A; short protein forms G971S.
Identifiers: ClinVar variation 1797586 (VCV001797586.3), dbSNP rs1300609727, ClinGen allele CA397076139.